The following is an entry in ClinVar:

ClinVar aggregate classification (germline): Conflicting classifications of pathogenicity. Review status: criteria provided, conflicting classifications (1 of 4 stars). 10 submissions from 10 submitters: Uncertain significance (2); Benign (2); Likely benign (5). 1 of the submissions does not count toward it. Last evaluated 2025-10-31.

Conditions:
GJB3-related disorder. Also called: GJB3-related condition.
Erythrokeratodermia variabilis et progressiva 1 (EKVP1). Also called: ERYTHROKERATODERMIA FIGURATA, CONGENITAL FAMILIAL, IN PLAQUES; ERYTHROKERATODERMIA VARIABILIS WITH ERYTHEMA GYRATUM REPENS; ERYTHROKERATODERMIA, PROGRESSIVE SYMMETRIC. Identifiers: Orphanet 317, MedGen C4551486, MONDO:0033010, OMIM 133200.
Autosomal recessive nonsyndromic hearing loss 1A (DFNB1A). Also called: GJB6-Related DFNB 1 Nonsyndromic Hearing Loss and Deafness; GJB2-Related Autosomal Recessive Nonsyndromic Hearing Loss; Connexin 26 deafness; Deafness nonsyndromic, Connexin 26 linked; Nonsyndromic Hearing Loss and Deafness, DFNB1; Deafness, autosomal recessive 1A. Identifiers: Orphanet 90636, MedGen C2673759, MONDO:0009076, OMIM 220290.
Autosomal dominant nonsyndromic hearing loss 2B. Also called: DEAFNESS, AUTOSOMAL DOMINANT, WITH OR WITHOUT PERIPHERAL NEUROPATHY. Identifiers: Orphanet 90635, MedGen C2675236, MONDO:0012976, OMIM 612644.
Deafness, digenic, GJB2/GJB3. Identifiers: MedGen C2673761. Disease mechanism: loss of function.

Allele frequency attached by ClinVar (database versions not stated): TOPMed 0.00031; gnomAD 0.00039 and 0.00046; gnomAD exomes 0.00039 and 0.00084; ExAC 0.00088; 1000 Genomes Project 30x 0.00109; 1000 Genomes Project 0.00140.
gnomAD v4.1: 645 of 1,613,812 alleles (0.04%); highest among the groups gnomAD compares: East Asian, 0.74%; no homozygotes.

Submissions (10):

PreventionGenetics, part of Exact Sciences
Classification: Likely benign for GJB3-related condition. Last evaluated: 2025-10-31. Review status: criteria provided, single submitter. Criteria: ACMG Guidelines, 2015. Collection method: clinical testing. Allele origin: germline.
Comment: This variant is classified as likely benign based on ACMG/AMP sequence variant interpretation guidelines (Richards et al. 2015 PMID: 25741868, with internal and published modifications).

Labcorp Genetics (formerly Invitae), Labcorp
Classification: Benign. Last evaluated: 2025-07-07. Review status: criteria provided, single submitter. Criteria: Invitae Variant Classification Sherloc (09022015). Collection method: clinical testing. Allele origin: germline.

CeGaT Center for Human Genetics Tuebingen
Classification: Uncertain significance. Last evaluated: 2025-04-01. Review status: criteria provided, single submitter. Criteria: CeGaT Center For Human Genetics Tuebingen Variant Classification Criteria Version 2. Collection method: clinical testing. Allele origin: germline. Affected: yes. Observed: 1 variant allele.

Blueprint Genetics
Classification: Likely benign. Last evaluated: 2024-10-02. Review status: criteria provided, single submitter. Criteria: ACMG Guidelines, 2015. Collection method: clinical testing. Allele origin: germline.

Fulgent Genetics
Classification: Likely benign for Erythrokeratodermia variabilis et progressiva 1; Autosomal recessive nonsyndromic hearing loss 1A; Autosomal dominant nonsyndromic hearing loss 2B. Last evaluated: 2022-03-18. Review status: criteria provided, single submitter. Criteria: ACMG Guidelines, 2015. Collection method: clinical testing. Allele origin: unknown.

Department of Pathology and Laboratory Medicine, Sinai Health System
Classification: Uncertain significance for Erythrokeratodermia variabilis et progressiva 1; Autosomal recessive nonsyndromic hearing loss 1A; Autosomal dominant nonsyndromic hearing loss 2B. Last evaluated: 2021-07-30. Review status: criteria provided, single submitter. Criteria: ACMG Guidelines, 2015. Collection method: research. Allele origin: germline.

GeneDx
Classification: Benign. Last evaluated: 2021-03-30. Review status: criteria provided, single submitter. Criteria: GeneDx Variant Classification Process June 2021. Collection method: clinical testing. Allele origin: germline. Affected: yes.
Comment: This variant is associated with the following publications: (PMID: 15469079, 27057829, 20627047, 33126609, 22617145, 24612839, 31015822, 25788563, 20593197, 31541171, 25724631, 30733538, 30245029, 19050930, 20981092, 25262649, 23638949, 22652773)

Illumina Laboratory Services, Illumina
Classification: Likely benign for Erythrokeratodermia variabilis et progressiva 1. Last evaluated: 2017-04-27. Review status: criteria provided, single submitter. Criteria: ICSL Variant Classification Criteria 13 December 2019. Collection method: clinical testing. Allele origin: germline.
Comment: This variant was observed as part of a predisposition screen in an ostensibly healthy population. A literature search was performed for the gene, cDNA change, and amino acid change (where applicable). No publications were found based on this search. Allele frequency data from public databases allowed determination this variant is unlikely to cause disease. Therefore, this variant is classified as likely benign.

Breakthrough Genomics
Classification: Likely benign. Review status: criteria provided, single submitter. Criteria: ACMG Guidelines, 2015. Collection method: not provided. Allele origin: germline. Inheritance: Autosomal dominant inheritance. Affected: yes.

OMIM
Classification: Pathogenic for DEAFNESS, DIGENIC, GJB2/GJB3. Last evaluated: 2009-02-01. Review status: no assertion criteria provided. Collection method: literature only. Allele origin: germline. Not counted in ClinVar's aggregate classification.

Literature cited by the submitters: PubMed 19050930 (cited by OMIM).

NM_024009.3(GJB3):c.580G>A (p.Ala194Thr)

Gene: GJB3 (gap junction protein beta 3; plus strand). Cytogenetic location: 1p34.3.
Variant type: single nucleotide variant.
Coding change: c.580G>A on transcript NM_024009.3 (MANE Select); coding-DNA position 580, G replaced by A.
Protein change: p.Ala194Thr; replaces alanine 194 with threonine.
Molecular consequence: missense variant.
Genome position (GRCh38, 1-based): chr1:34,785,342, G>A. VCF-style: chr1-34785342-G-A. GRCh37 (hg19) VCF-style: chr1-35250943-G-A.
Other names: c.580G>A, p.Ala194Thr (NM_001005752.2); short protein forms A194T.
Identifiers: ClinVar variation 6493 (VCV000006493.27), dbSNP rs117385606, ClinGen allele CA118313.
Genomic context (GRCh38, chr1:34,785,342, plus strand): 5'-GTGGACTGCTACATTGCCCGACCTACCGAGAAGAAAATCTTCACCTACTTCATGGTGGGC[G>A]CCTCCGCCGTCTGCATCGTACTCACCATCTGTGAGCTCTGCTACCTCATCTGCCACAGGG-3'
Protein context (NP_076872.1, residues 184-204): KKIFTYFMVG[Ala194Thr]SAVCIVLTIC